The following is an entry in ClinVar:

ClinVar aggregate classification (germline): Uncertain significance (1 of 4 stars; one submission).

Conditions:
Kabuki syndrome 2 (KABUK2). Also called: KDM6A-Related Kabuki Syndrome. Identifiers: Orphanet 2322, MedGen C3275495, MONDO:0010465, OMIM 300867.

Allele frequency attached by ClinVar (database versions not stated): gnomAD exomes below 0.00001.
gnomAD v4.1: 1 of 1,207,368 alleles (0.000083%); highest among the groups gnomAD compares: Non-Finnish European, 0.00011%; no homozygotes.

Submission:

Labcorp Genetics (formerly Invitae), Labcorp
Classification: Uncertain significance for Kabuki syndrome 2. Last evaluated: 2023-05-08. Review status: criteria provided, single submitter. Criteria: Invitae Variant Classification Sherloc (09022015). Collection method: clinical testing. Allele origin: germline.
Comment: This variant has not been reported in the literature in individuals affected with KDM6A-related conditions. This variant is not present in population databases (gnomAD no frequency). This sequence change replaces glutamine, which is neutral and polar, with arginine, which is basic and polar, at codon 611 of the KDM6A protein (p.Gln611Arg). ClinVar contains an entry for this variant (Variation ID: 1719493). In summary, the available evidence is currently insufficient to determine the role of this variant in disease. Therefore, it has been classified as a Variant of Uncertain Significance. Advanced modeling of protein sequence and biophysical properties (such as structural, functional, and spatial information, amino acid conservation, physicochemical variation, residue mobility, and thermodynamic stability) performed at Invitae indicates that this missense variant is not expected to disrupt KDM6A protein function.

NM_001291415.2(KDM6A):c.1988A>G (p.Gln663Arg)

Gene: KDM6A (lysine demethylase 6A; plus strand). Cytogenetic location: Xp11.3.
Variant type: single nucleotide variant.
Coding change: c.1988A>G on transcript NM_001291415.2 (MANE Select); coding-DNA position 1988, A replaced by G.
Protein change: p.Gln663Arg; replaces glutamine 663 with arginine.
Molecular consequence: missense variant. On other transcripts: non-coding transcript variant (1).
Genome position (GRCh38, 1-based): chrX:45,063,726, A>G. VCF-style: chrX-45063726-A-G. GRCh37 (hg19) VCF-style: chrX-44922971-A-G.
Other names: c.1853A>G, p.Gln618Arg (NM_001291416.2); c.1697A>G, p.Gln566Arg (NM_001291417.2); c.1595A>G, p.Gln532Arg (NM_001291418.2); c.944A>G, p.Gln315Arg (NM_001291421.2); c.1730A>G, p.Gln577Arg (NM_001410742.1); c.1832A>G, p.Gln611Arg (NM_021140.4); short protein forms Q315R, Q532R, Q566R, Q577R, Q611R, Q618R, Q663R.
Identifiers: ClinVar variation 1719493 (VCV001719493.5), dbSNP rs2147997960, ClinGen allele CA412790376.